The following is an entry in ClinVar:

ClinVar aggregate classification (germline): Uncertain significance (1 of 4 stars; one submission).

Conditions:
Mitochondrial DNA depletion syndrome 9 (MTDPS9). Also called: SUCLG1-Related Mitochondrial DNA Depletion Syndrome, Encephalomyopathic Form with Methylmalonic Aciduria. Identifiers: Orphanet 17, MedGen C3151476, MONDO:0009504, OMIM 245400.

Allele frequency attached by ClinVar (database versions not stated): gnomAD exomes below 0.00001; ExAC 0.00002.
gnomAD v4.1: 5 of 1,614,086 alleles (0.00031%); highest among the groups gnomAD compares: Admixed American, 0.0033%; no homozygotes.

Submission:

Labcorp Genetics (formerly Invitae), Labcorp
Classification: Uncertain significance for Mitochondrial DNA depletion syndrome 9. Last evaluated: 2022-06-10. Review status: criteria provided, single submitter. Criteria: Invitae Variant Classification Sherloc (09022015). Collection method: clinical testing. Allele origin: germline.
Comment: This sequence change replaces isoleucine, which is neutral and non-polar, with valine, which is neutral and non-polar, at codon 253 of the SUCLG1 protein (p.Ile253Val). This variant is present in population databases (rs760170442, gnomAD 0.006%). This variant has not been reported in the literature in individuals affected with SUCLG1-related conditions. Algorithms developed to predict the effect of missense changes on protein structure and function output the following: SIFT: "Tolerated"; PolyPhen-2: "Benign"; Align-GVGD: "Class C0". The valine amino acid residue is found in multiple mammalian species, which suggests that this missense change does not adversely affect protein function. In summary, the available evidence is currently insufficient to determine the role of this variant in disease. Therefore, it has been classified as a Variant of Uncertain Significance.

NM_003849.4(SUCLG1):c.757A>G (p.Ile253Val)

Gene: SUCLG1 (succinate-CoA ligase GDP/ADP-forming subunit alpha; minus strand). Cytogenetic location: 2p11.2.
Variant type: single nucleotide variant.
Coding change: c.757A>G on transcript NM_003849.4 (MANE Select); coding-DNA position 757, A replaced by G.
Protein change: p.Ile253Val; replaces isoleucine 253 with valine.
Molecular consequence: missense variant.
Genome position (GRCh38, 1-based): chr2:84,431,576, T>C on the plus strand (A>G on the coding strand, the complement: SUCLG1 is on the minus strand). VCF-style: chr2-84431576-T-C. GRCh37 (hg19) VCF-style: chr2-84658700-T-C.
Other names: short protein forms I253V.
Identifiers: ClinVar variation 2144274 (VCV002144274.2), dbSNP rs760170442, ClinGen allele CA1736183.
Genomic context (GRCh38, chr2:84,431,576, plus strand): 5'-GTTGCTTCAAAAATTCTGCAGCATTCTCTTCTGCATTACCACCAATTTCACCAATCAATA[T>C]GATGCCTTCTGTGGCAGAATCGTTCAAAAAGATTTCGAGGCAGTCAATAAAATCTGTTCC-3'
Protein context (NP_003840.2, residues 243-263): FLNDSATEGI[Ile253Val]LIGEIGGNAE